The following is an entry in ClinVar:

ClinVar aggregate classification (germline): Uncertain significance. Review status: criteria provided, multiple submitters, no conflicts (2 of 4 stars). 2 submissions from 2 submitters: Uncertain significance (2). Last evaluated 2024-05-28.

Conditions:
Menkes kinky-hair syndrome (MNK). Also called: Copper transport disease; Menkes Disease; Classic Menkes Disease. Identifiers: Orphanet 565, MedGen C0022716, MONDO:0010651, OMIM 309400.
Cutis laxa, X-linked (OHS). Also called: EDS IX; Occipital horn syndrome. Identifiers: Orphanet 198, MedGen C0268353, MONDO:0010572, OMIM 304150.
X-linked distal spinal muscular atrophy type 3. Also called: ATP7A-Related Distal Motor Neuropathy; SPINAL MUSCULAR ATROPHY, DISTAL, X-LINKED RECESSIVE; NEURONOPATHY, DISTAL HEREDITARY MOTOR, X-LINKED; NEUROPATHY, DISTAL HEREDITARY MOTOR, X-LINKED. Identifiers: Orphanet 139557, MedGen C1845359, MONDO:0010338, OMIM 300489.

Allele frequency attached by ClinVar (database versions not stated): gnomAD exomes below 0.00001; TOPMed below 0.00001; gnomAD 0.00001.
gnomAD v4.1: 2 of 1,209,978 alleles (0.00017%); highest among the groups gnomAD compares: African/African-American, 0.0017%; no homozygotes.

Submissions (2):

GeneDx
Classification: Uncertain significance. Last evaluated: 2024-05-28. Review status: criteria provided, single submitter. Criteria: GeneDx Variant Classification Process June 2021. Collection method: clinical testing. Allele origin: germline. Affected: yes.
Comment: Not observed at significant frequency in large population cohorts (gnomAD); In silico analysis supports that this missense variant has a deleterious effect on protein structure/function; Has not been previously published as pathogenic or benign to our knowledge

Labcorp Genetics (formerly Invitae), Labcorp
Classification: Uncertain significance for X-linked distal spinal muscular atrophy type 3; Cutis laxa, X-linked; Menkes kinky-hair syndrome. Last evaluated: 2024-04-27. Review status: criteria provided, single submitter. Criteria: Invitae Variant Classification Sherloc (09022015). Collection method: clinical testing. Allele origin: germline.
Comment: This sequence change replaces glutamic acid, which is acidic and polar, with glycine, which is neutral and non-polar, at codon 922 of the ATP7A protein (p.Glu922Gly). This variant is not present in population databases (gnomAD no frequency). This variant has not been reported in the literature in individuals affected with ATP7A-related conditions. Advanced modeling of protein sequence and biophysical properties (such as structural, functional, and spatial information, amino acid conservation, physicochemical variation, residue mobility, and thermodynamic stability) has been performed at Invitae for this missense variant, however the output from this modeling did not meet the statistical confidence thresholds required to predict the impact of this variant on ATP7A protein function. In summary, the available evidence is currently insufficient to determine the role of this variant in disease. Therefore, it has been classified as a Variant of Uncertain Significance.

NM_000052.7(ATP7A):c.2765A>G (p.Glu922Gly)

Gene: ATP7A (ATPase copper transporting alpha; plus strand). Cytogenetic location: Xq21.1.
Variant type: single nucleotide variant.
Coding change: c.2765A>G on transcript NM_000052.7 (MANE Select); coding-DNA position 2765, A replaced by G.
Protein change: p.Glu922Gly; replaces glutamic acid 922 with glycine.
Molecular consequence: missense variant.
Genome position (GRCh38, 1-based): chrX:78,020,382, A>G. VCF-style: chrX-78020382-A-G. GRCh37 (hg19) VCF-style: chrX-77275879-A-G.
Other names: c.2531A>G, p.Glu844Gly (NM_001282224.2); c.2765A>G (NM_000052.4); short protein forms E844G, E922G.
Identifiers: ClinVar variation 2927712 (VCV002927712.4), dbSNP rs2077896880, ClinGen allele CA413602637.